The following is an entry in ClinVar:

ClinVar aggregate classification (germline): Uncertain significance (1 of 4 stars; one submission).

Conditions:
Autosomal dominant childhood-onset proximal spinal muscular atrophy with contractures (SMALED2A). Also called: Spinal muscular atrophy, lower extremity-predominant, 2A, autosomal dominant; SPINAL MUSCULAR ATROPHY, LOWER EXTREMITY-PREDOMINANT, 2A, CHILDHOOD ONSET, AUTOSOMAL DOMINANT. Identifiers: Orphanet 363447, Orphanet 363454, MedGen C4747715, MONDO:0014121, OMIM 615290.

Allele frequency attached by ClinVar (database versions not stated): gnomAD exomes 0.00002.

Submission:

Labcorp Genetics (formerly Invitae), Labcorp
Classification: Uncertain significance for Autosomal dominant childhood-onset proximal spinal muscular atrophy with contractures. Last evaluated: 2025-12-21. Review status: criteria provided, single submitter. Criteria: Invitae Variant Classification Sherloc (09022015). Collection method: clinical testing. Allele origin: germline.
Comment: This sequence change replaces alanine, which is neutral and non-polar, with threonine, which is neutral and polar, at codon 811 of the BICD2 protein (p.Ala811Thr). This variant is not present in population databases (gnomAD no frequency). This variant has not been reported in the literature in individuals affected with BICD2-related conditions. ClinVar contains an entry for this variant (Variation ID: 2799736). Invitae Evidence Modeling of protein sequence and biophysical properties (such as structural, functional, and spatial information, amino acid conservation, physicochemical variation, residue mobility, and thermodynamic stability) indicates that this missense variant is not expected to disrupt BICD2 protein function with a negative predictive value of 80%. In summary, the available evidence is currently insufficient to determine the role of this variant in disease. Therefore, it has been classified as a Variant of Uncertain Significance.

NM_001003800.2(BICD2):c.2431G>A (p.Ala811Thr)

Gene: BICD2 (BICD cargo adaptor 2; minus strand). Cytogenetic location: 9q22.31.
Variant type: single nucleotide variant.
Coding change: c.2431G>A on transcript NM_001003800.2 (MANE Select); coding-DNA position 2431, G replaced by A.
Protein change: p.Ala811Thr; replaces alanine 811 with threonine.
Molecular consequence: missense variant.
Genome position (GRCh38, 1-based): chr9:92,715,291, C>T on the plus strand (G>A on the coding strand, the complement: BICD2 is on the minus strand). VCF-style: chr9-92715291-C-T. GRCh37 (hg19) VCF-style: chr9-95477573-C-T.
Other names: c.2431G>A, p.Ala811Thr (NM_015250.4); short protein forms A811T.
Identifiers: ClinVar variation 2799736 (VCV002799736.3), dbSNP rs2490434102, ClinGen allele CA374029860.